The following is an entry in ClinVar:

NM_006767.4(LZTR1):c.1466C>T (p.Ala489Val)

Gene: LZTR1 (leucine zipper like post translational regulator 1; plus strand). Cytogenetic location: 22q11.21.
Variant type: single nucleotide variant.
Coding change: c.1466C>T on transcript NM_006767.4 (MANE Select); coding-DNA position 1466, C replaced by T.
Protein change: p.Ala489Val; replaces alanine 489 with valine.
Molecular consequence: missense variant.
Genome position (GRCh38, 1-based): chr22:20,994,120, C>T. VCF-style: chr22-20994120-C-T. GRCh37 (hg19) VCF-style: chr22-21348409-C-T.
Other names: short protein forms A489V.
Identifiers: ClinVar variation 2447757 (VCV002447757.3), dbSNP rs1327762745, ClinGen allele CA410775501.

ClinVar aggregate classification (germline): Uncertain significance. Review status: criteria provided, multiple submitters, no conflicts (2 of 4 stars). 2 submissions from 2 submitters: Uncertain significance (2). Last evaluated 2025-07-15.

Conditions:
Cardiovascular phenotype. Identifiers: MedGen CN230736.
Hereditary cancer-predisposing syndrome. Also called: Neoplastic Syndromes, Hereditary; Hereditary Cancer Syndrome; Tumor predisposition; Hereditary neoplastic syndrome. Identifiers: Orphanet 140162, MedGen C0027672, MeSH D009386, MONDO:0015356.

Submissions (2):

Labcorp Genetics (formerly Invitae), Labcorp
Classification: Uncertain significance. Last evaluated: 2025-07-15. Review status: criteria provided, single submitter. Criteria: Invitae Variant Classification Sherloc (09022015). Collection method: clinical testing. Allele origin: germline.
Comment: This sequence change replaces alanine, which is neutral and non-polar, with valine, which is neutral and non-polar, at codon 489 of the LZTR1 protein (p.Ala489Val). This variant is not present in population databases (gnomAD no frequency). This variant has not been reported in the literature in individuals affected with LZTR1-related conditions. ClinVar contains an entry for this variant (Variation ID: 2447757). Invitae Evidence Modeling of protein sequence and biophysical properties (such as structural, functional, and spatial information, amino acid conservation, physicochemical variation, residue mobility, and thermodynamic stability) indicates that this missense variant is not expected to disrupt LZTR1 protein function with a negative predictive value of 80%. In summary, the available evidence is currently insufficient to determine the role of this variant in disease. Therefore, it has been classified as a Variant of Uncertain Significance.

Ambry Genetics
Classification: Uncertain significance for Cardiovascular phenotype; Hereditary cancer-predisposing syndrome. Last evaluated: 2023-02-12. Review status: criteria provided, single submitter. Criteria: Ambry Variant Classification Scheme 2023. Collection method: clinical testing. Allele origin: germline.
Comment: The p.A489V variant (also known as c.1466C>T), located in coding exon 14 of the LZTR1 gene, results from a C to T substitution at nucleotide position 1466. The alanine at codon 489 is replaced by valine, an amino acid with similar properties. This amino acid position is conserved. In addition, this alteration is predicted to be tolerated by in silico analysis. Since supporting evidence is limited at this time, the clinical significance of this alteration remains unclear.